The following is an entry in ClinVar:

ClinVar aggregate classification (germline): Uncertain significance. Review status: criteria provided, multiple submitters, no conflicts (2 of 4 stars). 2 submissions from 2 submitters: Uncertain significance (2). Last evaluated 2023-04-22.

Conditions:
Lethal congenital glycogen storage disease of heart. Also called: PHOSPHORYLASE KINASE DEFICIENCY OF HEART; GLYCOGEN STORAGE DISEASE OF HEART. Identifiers: Orphanet 439854, MedGen C1849813, MONDO:0009867, OMIM 261740.
Cardiomyopathy (CMYO). Also called: Cardiomyopathies. Identifiers: Orphanet 167848, MedGen C0878544, MONDO:0004994, HP:0001638. Inheritance: Various modes of inheritance.

Allele frequency attached by ClinVar (database versions not stated): gnomAD exomes 0.00001; TOPMed 0.00001.
gnomAD v4.1: 4 of 1,614,128 alleles (0.00025%); highest among the groups gnomAD compares: African/African-American, 0.0013%; no homozygotes.

Submissions (2):

Labcorp Genetics (formerly Invitae), Labcorp
Classification: Uncertain significance for Lethal congenital glycogen storage disease of heart. Last evaluated: 2023-04-22. Review status: criteria provided, single submitter. Criteria: Invitae Variant Classification Sherloc (09022015). Collection method: clinical testing. Allele origin: germline.
Comment: In summary, the available evidence is currently insufficient to determine the role of this variant in disease. Therefore, it has been classified as a Variant of Uncertain Significance. Experimental studies and prediction algorithms are not available or were not evaluated, and the functional significance of this variant is currently unknown. ClinVar contains an entry for this variant (Variation ID: 1171118). This variant has not been reported in the literature in individuals affected with PRKAG2-related conditions. This variant is present in population databases (no rsID available, gnomAD 0.007%). This sequence change creates a premature translational stop signal (p.Arg119*) in the PRKAG2 gene. It is expected to result in an absent or disrupted protein product. However, the current clinical and genetic evidence is not sufficient to establish whether loss-of-function variants in PRKAG2 cause disease.

Color Diagnostics, LLC DBA Color Health
Classification: Uncertain significance for Cardiomyopathy. Last evaluated: 2020-10-05. Review status: criteria provided, single submitter. Criteria: ACMG Guidelines, 2015. Collection method: clinical testing. Allele origin: germline.
Comment: This variant changes 1 nucleotide in exon 3 of the PRKAG2 gene, creating a premature translation stop signal. This variant is expected to result in an absent or non-functional protein product. To our knowledge, this variant has not been reported in individuals affected with cardiovascular disorders in the literature. This variant has been identified in 2/251252 chromosomes in the general population by the Genome Aggregation Database (gnomAD). Clinical significance of loss-of-function truncation variants in the PRKAG2 gene is not clearly established. The available evidence is insufficient to determine the role of this variant in disease conclusively. Therefore, this variant is classified as a Variant of Uncertain Significance.

NM_016203.4(PRKAG2):c.355C>T (p.Arg119Ter)

Gene: PRKAG2 (protein kinase AMP-activated non-catalytic subunit gamma 2; minus strand). Cytogenetic location: 7q36.1.
Variant type: single nucleotide variant.
Coding change: c.355C>T on transcript NM_016203.4 (MANE Select); coding-DNA position 355, C replaced by T.
Protein change: p.Arg119Ter; replaces arginine 119 with a stop codon.
Molecular consequence: nonsense.
Genome position (GRCh38, 1-based): chr7:151,781,263, G>A on the plus strand (C>T on the coding strand, the complement: PRKAG2 is on the minus strand). VCF-style: chr7-151781263-G-A. GRCh37 (hg19) VCF-style: chr7-151478349-G-A.
Other names: c.223C>T, p.Arg75Ter (NM_001040633.2); short protein forms R119*, R75*.
Identifiers: ClinVar variation 1171118 (VCV001171118.5), dbSNP rs1177945294, ClinGen allele CA370069602.
Genomic context (GRCh38, chr7:151,781,263, plus strand): 5'-TGGAGTTGGGGGAAGACTCTTTGGAGGAGGAGCGGAAGATCCCACTGAAGCTCATGCGTC[G>A]AGGGGAGCGTGGCGGGGACTCCTGGTAGGAGAACGGGAACACGGTTTTGGGAGAGCCGGG-3'